The following is an entry in ClinVar:

NM_001690.4(ATP6V1A):c.1750A>G (p.Met584Val)

Gene: ATP6V1A (ATPase H+ transporting V1 subunit A; plus strand). Cytogenetic location: 3q13.31.
Variant type: single nucleotide variant.
Coding change: c.1750A>G on transcript NM_001690.4 (MANE Select); coding-DNA position 1750, A replaced by G.
Protein change: p.Met584Val; replaces methionine 584 with valine.
Molecular consequence: missense variant.
Genome position (GRCh38, 1-based): chr3:113,805,514, A>G. VCF-style: chr3-113805514-A-G. GRCh37 (hg19) VCF-style: chr3-113524361-A-G.
Other names: short protein forms M584V.
Identifiers: ClinVar variation 4774695 (VCV004774695.1).

ClinVar aggregate classification (germline): Uncertain significance (1 of 4 stars; one submission).

gnomAD v4.1: 1 of 1,608,776 alleles (0.000062%); highest among the groups gnomAD compares: Non-Finnish European, 0.000085%; no homozygotes.

Submission:

Labcorp Genetics (formerly Invitae), Labcorp
Classification: Uncertain significance. Last evaluated: 2025-08-30. Review status: criteria provided, single submitter. Criteria: Invitae Variant Classification Sherloc (09022015). Collection method: clinical testing. Allele origin: germline.
Comment: This sequence change replaces methionine, which is neutral and non-polar, with valine, which is neutral and non-polar, at codon 584 of the ATP6V1A protein (p.Met584Val). This variant is present in population databases (no rsID available, gnomAD 0.0009%). This variant has not been reported in the literature in individuals affected with ATP6V1A-related conditions. Invitae Evidence Modeling of protein sequence and biophysical properties (such as structural, functional, and spatial information, amino acid conservation, physicochemical variation, residue mobility, and thermodynamic stability) indicates that this missense variant is expected to disrupt ATP6V1A protein function with a positive predictive value of 80%. In summary, the available evidence is currently insufficient to determine the role of this variant in disease. Therefore, it has been classified as a Variant of Uncertain Significance.